The following is an entry in ClinVar:

NM_000059.4(BRCA2):c.1909+22del

Gene: BRCA2 (BRCA2 DNA repair associated; plus strand). Cytogenetic location: 13q13.1.
Variant type: Deletion.
Coding change: c.1909+22del on transcript NM_000059.4 (MANE Select); 22 bases into the intron after coding-DNA position 1909, one base deleted (T; older notation c.1909+22delT).
Genome position (GRCh38, 1-based): chr13:32,333,409, T deleted; the last of 11 consecutive T bases (chr13:32,333,399-32,333,409); deleting any one gives the same sequence. VCF-style (leftmost placement, unchanged base first): chr13-32333398-CT-C. GRCh37 (hg19) VCF-style: chr13-32907535-CT-C.
Other names: IVS10+12delT; p.?; c.1909+12delT (NM_000059.3); c.1909+22delT (NM_000059.4, NM_000059.3).
Identifiers: ClinVar variation 132782 (VCV000132782.37), dbSNP rs276174816, ClinGen allele CA013819.

ClinVar aggregate classification (germline): Conflicting classifications of pathogenicity. Review status: criteria provided, conflicting classifications (1 of 4 stars). 15 submissions from 15 submitters: Uncertain significance (1); Benign (10); Likely benign (1). 3 of the submissions do not count toward it. Last evaluated 2026-01-25.
ClinVar aggregate classification (somatic clinical impact): Tier III - Unknown. Review status: no assertion criteria provided (0 of 4 stars). 2 submissions from 1 submitter.

Conditions:
BRCA2-related disorder. Also called: BRCA2-related condition; BRCA2-related disorders. Identifiers: MedGen CN239275.
Hereditary cancer-predisposing syndrome. Also called: Hereditary neoplastic syndrome; Tumor predisposition; Neoplastic Syndromes, Hereditary; Hereditary Cancer Syndrome. Identifiers: Orphanet 140162, MedGen C0027672, MeSH D009386, MONDO:0015356.
Hereditary breast ovarian cancer syndrome. Also called: Hereditary breast and ovarian cancer syndrome; Breast and ovarian cancer; Hereditary breast and ovarian cancer syndrome (HBOC); BRCA1- and BRCA2-Associated Hereditary Breast and Ovarian Cancer; Hereditary breast and ovarian cancer; Hereditary breast and/or ovarian cancer syndrome. Identifiers: Orphanet 145, MedGen C0677776, MeSH D061325, MONDO:0003582. Disease mechanism: loss of function.
Breast-ovarian cancer, familial, susceptibility to, 2 (BROVCA2). Also called: BRCA2 Hereditary Breast and Ovarian Cancer. Identifiers: Orphanet 145, MedGen C2675520, MONDO:0012933, OMIM 612555. Disease mechanism: loss of function.
Lung cancer. Also called: Lung cancer, somatic; Malignant tumor of lung. Identifiers: MedGen C0242379, MONDO:0008903, OMIM 211980.
Familial cancer of breast. Also called: hereditary breast carcinoma; Hereditary breast cancer; BREAST CANCER, FAMILIAL. Identifiers: Orphanet 227535, MedGen C0346153, MONDO:0016419, OMIM 114480. Disease mechanism: loss of function.

Submissions (17):

Labcorp Genetics (formerly Invitae), Labcorp
Classification: Benign for Hereditary breast ovarian cancer syndrome. Last evaluated: 2026-01-25. Review status: criteria provided, single submitter. Criteria: Invitae Variant Classification Sherloc (09022015). Collection method: clinical testing. Allele origin: germline.

ARUP Laboratories, Molecular Genetics and Genomics, ARUP Laboratories
Classification: Benign. Last evaluated: 2025-07-21. Review status: criteria provided, single submitter. Criteria: ARUP Molecular Germline Variant Investigation Process 2024. Collection method: clinical testing. Allele origin: germline.

Center for Genomic Medicine, Rigshospitalet, Copenhagen University Hospital
Classification: Benign. Last evaluated: 2025-03-04. Review status: criteria provided, single submitter. Criteria: ACMG Guidelines, 2015. Collection method: clinical testing. Allele origin: germline.

Blueprint Genetics
Classification: Benign. Last evaluated: 2024-11-27. Review status: criteria provided, single submitter. Criteria: ACMG Guidelines, 2015. Collection method: clinical testing. Allele origin: germline.

Mayo Clinic Laboratories, Mayo Clinic
Classification: Benign. Last evaluated: 2022-10-05. Review status: criteria provided, single submitter. Criteria: ACMG Guidelines, 2015. Collection method: clinical testing. Allele origin: germline. Observed: 12 variant alleles.
Comment: BA1, BP4, BP7

Institute for Clinical Genetics, University Hospital TU Dresden, University Hospital TU Dresden
Classification: Benign. Last evaluated: 2021-11-03. Review status: criteria provided, single submitter. Criteria: ACMG Guidelines, 2015. Collection method: clinical testing. Allele origin: germline.

Sema4
Classification: Benign for Hereditary cancer-predisposing syndrome. Last evaluated: 2020-05-27. Review status: criteria provided, single submitter. Criteria: Sema4 Curation Guidelines. Collection method: curation. Allele origin: germline.

Mendelics
Classification: Benign for Breast-ovarian cancer, familial, susceptibility to, 2. Last evaluated: 2019-05-28. Review status: criteria provided, single submitter. Criteria: Mendelics Assertion Criteria 2017. Collection method: clinical testing. Allele origin: unknown.

Department of Pathology and Molecular Medicine, Queen's University
Classification: Uncertain significance. Last evaluated: 2017-04-20. Review status: criteria provided, single submitter. Criteria: ACMG Guidelines, 2015. Collection method: clinical testing. Allele origin: germline. Study: The Canadian Open Genetics Repository (COGR).

Cancer Genetics and Genomics Laboratory, British Columbia Cancer Agency
Classification: Benign. Last evaluated: 2017-04-18. Review status: criteria provided, single submitter. Criteria: ACMG Guidelines, 2015. Collection method: clinical testing. Allele origin: germline. Study: The Canadian Open Genetics Repository (COGR).

Color Diagnostics, LLC DBA Color Health
Classification: Likely benign for Hereditary cancer-predisposing syndrome. Last evaluated: 2015-03-11. Review status: criteria provided, single submitter. Criteria: ACMG Guidelines, 2015. Collection method: clinical testing. Allele origin: germline.

Genome Diagnostics Laboratory, University Medical Center Utrecht
Classification: Benign for Breast-ovarian cancer, familial, susceptibility to, 2. Last evaluated: 2014-10-09. Review status: criteria provided, single submitter. Criteria: ACGS Guidelines, 2013. Collection method: clinical testing. Allele origin: germline. Affected: yes. Study: VKGL Data-share Consensus.

PreventionGenetics, part of Exact Sciences
Classification: Likely benign for BRCA2-related condition. Last evaluated: 2021-03-03. Review status: no assertion criteria provided. Collection method: clinical testing. Allele origin: germline. Not counted in ClinVar's aggregate classification.
Comment: This variant is classified as likely benign based on ACMG/AMP sequence variant interpretation guidelines (Richards et al. 2015 PMID: 25741868, with internal and published modifications).

Counsyl
Classification: Benign for Breast-ovarian cancer, familial 2. Last evaluated: 2014-04-10. Review status: no assertion criteria provided. Collection method: literature only. Allele origin: unknown. Inheritance: Autosomal dominant inheritance. Not counted in ClinVar's aggregate classification.

Breast Cancer Information Core (BIC) (BRCA2)
Classification: Uncertain significance for Breast-ovarian cancer, familial 2. Last evaluated: 1999-04-12. Review status: no assertion criteria provided. Collection method: clinical testing. Allele origin: germline. Affected: yes. Observed: 2 variant alleles. Not counted in ClinVar's aggregate classification.

Faculté Pluridciplinaire Nador, Université Mohamed Premier
Classification: Tier III - Unknown for Familial cancer of breast. Review status: no assertion criteria provided. Collection method: research. Allele origin: somatic. Affected: yes.
Comment: The following databases and algorithms are used to annotate and evaluate the impact of the variant in the context of human disease: 1000 genomes, gnomAD, ClinVar, OMIM, dbSNP, NCIB RefSeq Genes, ExAC Gene Constraints, VS-SIFT, VS-PolyPhen2, PhyloP, GERP++, GeneSplicer, MaxEntScan, NNSplice, PWM Splice Predictor.

Faculté Pluridciplinaire Nador, Université Mohamed Premier
Classification: Tier III - Unknown for Lung cancer. Review status: no assertion criteria provided. Collection method: research. Allele origin: somatic. Affected: yes.
Comment: the same text as in the submission from Faculté Pluridciplinaire Nador, Université Mohamed Premier above.

Literature cited by the submitters: PubMed 21203900 (cited by Counsyl); PubMed 12552570 (cited by Counsyl); PubMed 22684231 (cited by Counsyl); PubMed 12955716 (cited by Counsyl).